The following is an entry in ClinVar:

NM_025144.4(ALPK1):c.662T>A (p.Ile221Asn)

Gene: ALPK1 (alpha kinase 1; plus strand). Cytogenetic location: 4q25.
Variant type: single nucleotide variant.
Coding change: c.662T>A on transcript NM_025144.4 (MANE Select); coding-DNA position 662, T replaced by A.
Protein change: p.Ile221Asn; replaces isoleucine 221 with asparagine.
Molecular consequence: missense variant.
Genome position (GRCh38, 1-based): chr4:112,426,506, T>A. VCF-style: chr4-112426506-T-A. GRCh37 (hg19) VCF-style: chr4-113347662-T-A.
Other names: c.662T>A, p.Ile221Asn (NM_001102406.2); c.428T>A, p.Ile143Asn (NM_001253884.2); short protein forms I143N, I221N.
Identifiers: ClinVar variation 3709157 (VCV003709157.2).

ClinVar aggregate classification (germline): Uncertain significance (1 of 4 stars; one submission).

gnomAD v4.1: 2 of 1,594,170 alleles (0.00013%); highest among the groups gnomAD compares: Non-Finnish European, 0.00017%; no homozygotes.

Submission:

Labcorp Genetics (formerly Invitae), Labcorp
Classification: Uncertain significance. Last evaluated: 2025-01-21. Review status: criteria provided, single submitter. Criteria: Invitae Variant Classification Sherloc (09022015). Collection method: clinical testing. Allele origin: germline.
Comment: This sequence change replaces isoleucine, which is neutral and non-polar, with asparagine, which is neutral and polar, at codon 221 of the ALPK1 protein (p.Ile221Asn). This variant is not present in population databases (gnomAD no frequency). This variant has not been reported in the literature in individuals affected with ALPK1-related conditions. Invitae Evidence Modeling of protein sequence and biophysical properties (such as structural, functional, and spatial information, amino acid conservation, physicochemical variation, residue mobility, and thermodynamic stability) indicates that this missense variant is expected to disrupt ALPK1 protein function with a positive predictive value of 80%. In summary, the available evidence is currently insufficient to determine the role of this variant in disease. Therefore, it has been classified as a Variant of Uncertain Significance.